The following is an entry in ClinVar:

ClinVar aggregate classification (germline): Uncertain significance (1 of 4 stars; one submission).

Conditions:
Singleton-Merten syndrome 1 (SGMRT1). Also called: Widened medullary cavities of bone, aortic calcification, abnormal dentition, and muscular weakness; Syndrome of widened medullary cavities of the metacarpals and phalanges, aortic calcification and abnormal dentition. Identifiers: Orphanet 85191, MedGen C4225427, MONDO:0024535, OMIM 182250.
Aicardi-Goutieres syndrome 7 (AGS7). Identifiers: Orphanet 51, MedGen C3888244, MONDO:0014367, OMIM 615846.

Submission:

Labcorp Genetics (formerly Invitae), Labcorp
Classification: Uncertain significance for Aicardi-Goutieres syndrome 7; Singleton-Merten syndrome 1. Last evaluated: 2021-05-12. Review status: criteria provided, single submitter. Criteria: Invitae Variant Classification Sherloc (09022015). Collection method: clinical testing. Allele origin: germline.
Comment: This sequence change replaces isoleucine with methionine at codon 940 of the IFIH1 protein (p.Ile940Met). The isoleucine residue is moderately conserved and there is a small physicochemical difference between isoleucine and methionine. This variant is not present in population databases (ExAC no frequency). This variant has not been reported in the literature in individuals with IFIH1-related conditions. Algorithms developed to predict the effect of missense changes on protein structure and function are either unavailable or do not agree on the potential impact of this missense change (SIFT: "Tolerated"; PolyPhen-2: "Possibly Damaging"; Align-GVGD: "Class C0"). Algorithms developed to predict the effect of sequence changes on RNA splicing suggest that this variant may create or strengthen a splice site, but this prediction has not been confirmed by published transcriptional studies. In summary, the available evidence is currently insufficient to determine the role of this variant in disease. Therefore, it has been classified as a Variant of Uncertain Significance.

NM_022168.4(IFIH1):c.2820T>G (p.Ile940Met)

Gene: IFIH1 (interferon induced with helicase C domain 1; minus strand). Cytogenetic location: 2q24.2.
Variant type: single nucleotide variant.
Coding change: c.2820T>G on transcript NM_022168.4 (MANE Select); coding-DNA position 2820, T replaced by G.
Protein change: p.Ile940Met; replaces isoleucine 940 with methionine.
Molecular consequence: missense variant.
Genome position (GRCh38, 1-based): chr2:162,267,557, A>C on the plus strand (T>G on the coding strand, the complement: IFIH1 is on the minus strand). VCF-style: chr2-162267557-A-C. GRCh37 (hg19) VCF-style: chr2-163124067-A-C.
Other names: short protein forms I940M.
Identifiers: ClinVar variation 1470493 (VCV001470493.8), dbSNP rs2105187091, ClinGen allele CA348990091.